The following is an entry in ClinVar:

NM_006302.3(MOGS):c.1052G>C (p.Arg351Thr)

Gene: MOGS (mannosyl-oligosaccharide glucosidase; minus strand). Cytogenetic location: 2p13.1.
Variant type: single nucleotide variant.
Coding change: c.1052G>C on transcript NM_006302.3 (MANE Select); coding-DNA position 1052, G replaced by C.
Protein change: p.Arg351Thr; replaces arginine 351 with threonine.
Molecular consequence: missense variant.
Genome position (GRCh38, 1-based): chr2:74,462,737, C>G on the plus strand (G>C on the coding strand, the complement: MOGS is on the minus strand). VCF-style: chr2-74462737-C-G. GRCh37 (hg19) VCF-style: chr2-74689864-C-G.
Other names: c.1052G>C, p.Arg351Thr (LRG_1226t1); c.734G>C, p.Arg245Thr (NM_001146158.2); short protein forms R351T, R245T.
Identifiers: ClinVar variation 534245 (VCV000534245.6), dbSNP rs368536824, ClinGen allele CA1724858.

ClinVar aggregate classification (germline): Uncertain significance (1 of 4 stars; one submission).

Conditions:
MOGS-congenital disorder of glycosylation. Also called: CDG IIb; GLUCOSIDASE I DEFICIENCY; CDG 2B; MOGS-CDG. Identifiers: Orphanet 79330, MedGen C1853736, MONDO:0011629, OMIM 606056.

Allele frequency attached by ClinVar (database versions not stated): ExAC 0.00001; gnomAD exomes 0.00002; TOPMed 0.00002; gnomAD 0.00006; ESP Exome Variant Server 0.00008.
gnomAD v4.1: 12 of 1,614,140 alleles (0.00074%); highest among the groups gnomAD compares: African/African-American, 0.015%; no homozygotes.

Submission:

Labcorp Genetics (formerly Invitae), Labcorp
Classification: Uncertain significance for MOGS-congenital disorder of glycosylation. Last evaluated: 2021-08-31. Review status: criteria provided, single submitter. Criteria: Invitae Variant Classification Sherloc (09022015). Collection method: clinical testing. Allele origin: germline.
Comment: This sequence change replaces arginine with threonine at codon 351 of the MOGS protein (p.Arg351Thr). The arginine residue is weakly conserved and there is a moderate physicochemical difference between arginine and threonine. This variant is present in population databases (rs368536824, ExAC 0.01%). This variant has not been reported in the literature in individuals affected with MOGS-related conditions. Algorithms developed to predict the effect of missense changes on protein structure and function (SIFT, PolyPhen-2, Align-GVGD) all suggest that this variant is likely to be tolerated. In summary, the available evidence is currently insufficient to determine the role of this variant in disease. Therefore, it has been classified as a Variant of Uncertain Significance.